The following is an entry in ClinVar:

NM_005591.4(MRE11):c.853G>A (p.Gly285Ser)

Gene: MRE11 (MRE11 double strand break repair nuclease; minus strand). Cytogenetic location: 11q21.
Variant type: single nucleotide variant.
Coding change: c.853G>A on transcript NM_005591.4 (MANE Select); coding-DNA position 853, G replaced by A.
Protein change: p.Gly285Ser; replaces glycine 285 with serine.
Molecular consequence: missense variant.
Genome position (GRCh38, 1-based): chr11:94,470,635, C>T on the plus strand (G>A on the coding strand, the complement: MRE11 is on the minus strand). VCF-style: chr11-94470635-C-T. GRCh37 (hg19) VCF-style: chr11-94203801-C-T.
Other names: c.853G>A, p.Gly285Ser (NM_001330347.2, NM_005590.4); short protein forms G285S.
Identifiers: ClinVar variation 1799949 (VCV001799949.2), dbSNP rs2496485592, ClinGen allele CA382374901.

ClinVar aggregate classification (germline): Uncertain significance (1 of 4 stars; one submission).

Conditions:
Hereditary cancer-predisposing syndrome. Also called: Neoplastic Syndromes, Hereditary; Tumor predisposition; Hereditary Cancer Syndrome; Hereditary neoplastic syndrome. Identifiers: Orphanet 140162, MedGen C0027672, MeSH D009386, MONDO:0015356.

Submission:

Ambry Genetics
Classification: Uncertain significance for Hereditary cancer-predisposing syndrome. Last evaluated: 2022-09-08. Review status: criteria provided, single submitter. Criteria: Ambry Variant Classification Scheme 2023. Collection method: clinical testing. Allele origin: germline.
Comment: The p.G285S variant (also known as c.853G>A), located in coding exon 8 of the MRE11A gene, results from a G to A substitution at nucleotide position 853. The glycine at codon 285 is replaced by serine, an amino acid with similar properties. This amino acid position is conserved. In addition, this alteration is predicted to be deleterious by in silico analysis. Since supporting evidence is limited at this time, the clinical significance of this alteration remains unclear.